The following is an entry in ClinVar:

NM_001111.5(ADAR):c.3674C>T (p.Pro1225Leu)

Gene: ADAR (adenosine deaminase RNA specific; minus strand). Cytogenetic location: 1q21.3.
Variant type: single nucleotide variant.
Coding change: c.3674C>T on transcript NM_001111.5 (MANE Select); coding-DNA position 3674, C replaced by T.
Protein change: p.Pro1225Leu; replaces proline 1225 with leucine.
Molecular consequence: missense variant.
Genome position (GRCh38, 1-based): chr1:154,584,813, G>A on the plus strand (C>T on the coding strand, the complement: ADAR is on the minus strand). VCF-style: chr1-154584813-G-A. GRCh37 (hg19) VCF-style: chr1-154557289-G-A.
Other names: c.2789C>T, p.Pro930Leu (NM_001025107.3, NM_001193495.2, NM_001365046.1 and 2 more transcripts); c.3701C>T, p.Pro1234Leu (NM_001365045.1); c.2711C>T, p.Pro904Leu (NM_001365049.1); c.3596C>T, p.Pro1199Leu (NM_015840.4); c.3539C>T, p.Pro1180Leu (NM_015841.4); short protein forms P1180L, P1199L, P1225L, P1234L, P904L, P930L.
Identifiers: ClinVar variation 3763180 (VCV003763180.2).

ClinVar aggregate classification (germline): Uncertain significance (1 of 4 stars; one submission).

Conditions:
Symmetrical dyschromatosis of extremities (DSH). Also called: DYSCHROMATOSIS SYMMETRICA HEREDITARIA 1; RETICULATE ACROPIGMENTATION OF DOHI; SYMMETRIC DYSCHROMATOSIS OF THE EXTREMITIES; Dyschromatosis symmetrica hereditaria. Identifiers: Orphanet 41, MedGen C0406775, MONDO:0007483, OMIM 127400.
Aicardi-Goutieres syndrome 6 (AGS6). Identifiers: Orphanet 51, MedGen C3539013, MONDO:0014007, OMIM 615010.

Submission:

Labcorp Genetics (formerly Invitae), Labcorp
Classification: Uncertain significance for Aicardi-Goutieres syndrome 6; Symmetrical dyschromatosis of extremities. Last evaluated: 2025-03-12. Review status: criteria provided, single submitter. Criteria: Invitae Variant Classification Sherloc (09022015). Collection method: clinical testing. Allele origin: germline.
Comment: This sequence change replaces proline, which is neutral and non-polar, with leucine, which is neutral and non-polar, at codon 1225 of the ADAR protein (p.Pro1225Leu). This variant is present in population databases (rs745742147, gnomAD 0.01%). This variant has not been reported in the literature in individuals affected with ADAR-related conditions. An algorithm developed to predict the effect of missense changes on protein structure and function (PolyPhen-2) suggests that this variant is likely to be disruptive. In summary, the available evidence is currently insufficient to determine the role of this variant in disease. Therefore, it has been classified as a Variant of Uncertain Significance.